The following is an entry in ClinVar:

ClinVar aggregate classification (germline): Uncertain significance (1 of 4 stars; one submission).

Conditions:
Nance-Horan syndrome (NHS). Identifiers: Orphanet 627, MedGen C0796085, MONDO:0010545, OMIM 302350.

Submission:

Labcorp Genetics (formerly Invitae), Labcorp
Classification: Uncertain significance for Nance-Horan syndrome. Last evaluated: 2025-09-02. Review status: criteria provided, single submitter. Criteria: Invitae Variant Classification Sherloc (09022015). Collection method: clinical testing. Allele origin: germline.
Comment: This sequence change replaces arginine, which is basic and polar, with histidine, which is basic and polar, at codon 211 of the NHS protein (p.Arg211His). This variant is present in population databases (rs745989162, gnomAD 0.004%). This variant has not been reported in the literature in individuals affected with NHS-related conditions. ClinVar contains an entry for this variant (Variation ID: 3630373). Invitae Evidence Modeling of protein sequence and biophysical properties (such as structural, functional, and spatial information, amino acid conservation, physicochemical variation, residue mobility, and thermodynamic stability) indicates that this missense variant is not expected to disrupt NHS protein function with a negative predictive value of 80%. In summary, the available evidence is currently insufficient to determine the role of this variant in disease. Therefore, it has been classified as a Variant of Uncertain Significance.

NM_001291867.2(NHS):c.632G>A (p.Arg211His)

Gene: NHS (NHS actin remodeling regulator; plus strand). Cytogenetic location: Xp22.13.
Variant type: single nucleotide variant.
Coding change: c.632G>A on transcript NM_001291867.2 (MANE Select); coding-DNA position 632, G replaced by A.
Protein change: p.Arg211His; replaces arginine 211 with histidine.
Molecular consequence: missense variant.
Genome position (GRCh38, 1-based): chrX:17,687,808, G>A. VCF-style: chrX-17687808-G-A. GRCh37 (hg19) VCF-style: chrX-17705928-G-A.
Other names: c.101G>A, p.Arg34His (NM_001136024.4, NM_001291868.2); c.632G>A, p.Arg211His (NM_198270.4); short protein forms R211H, R34H.
Identifiers: ClinVar variation 3630373 (VCV003630373.2).